The following is an entry in ClinVar:

NM_001710.6(CFB):c.1921A>T (p.Thr641Ser)

Gene: CFB (complement factor B; plus strand). Cytogenetic location: 6p21.33.
Variant type: single nucleotide variant.
Coding change: c.1921A>T on transcript NM_001710.6 (MANE Select); coding-DNA position 1921, A replaced by T.
Protein change: p.Thr641Ser; replaces threonine 641 with serine.
Molecular consequence: missense variant.
Genome position (GRCh38, 1-based): chr6:31,951,209, A>T. VCF-style: chr6-31951209-A-T. GRCh37 (hg19) VCF-style: chr6-31918986-A-T.
Other names: short protein forms T641S.
Identifiers: ClinVar variation 4780611 (VCV004780611.1).

ClinVar aggregate classification (germline): Uncertain significance (1 of 4 stars; one submission).

gnomAD v4.1: 1 of 1,612,994 alleles (0.000062%); no homozygotes.

Submission:

Labcorp Genetics (formerly Invitae), Labcorp
Classification: Uncertain significance. Last evaluated: 2025-08-08. Review status: criteria provided, single submitter. Criteria: Invitae Variant Classification Sherloc (09022015). Collection method: clinical testing. Allele origin: germline.
Comment: This sequence change replaces threonine, which is neutral and polar, with serine, which is neutral and polar, at codon 641 of the CFB protein (p.Thr641Ser). This variant is present in population databases (rs772535315, gnomAD 0.002%). This variant has not been reported in the literature in individuals affected with CFB-related conditions. Invitae Evidence Modeling of protein sequence and biophysical properties (such as structural, functional, and spatial information, amino acid conservation, physicochemical variation, residue mobility, and thermodynamic stability) indicates that this missense variant is not expected to disrupt CFB protein function with a negative predictive value of 80%. In summary, the available evidence is currently insufficient to determine the role of this variant in disease. Therefore, it has been classified as a Variant of Uncertain Significance.